The following is an entry in ClinVar:

ClinVar aggregate classification (germline): Uncertain significance (1 of 4 stars; one submission).

Submission:

GeneDx
Classification: Uncertain significance. Last evaluated: 2022-07-28. Review status: criteria provided, single submitter. Criteria: GeneDx Variant Classification Process June 2021. Collection method: clinical testing. Allele origin: germline. Affected: yes.
Comment: Not observed at significant frequency in large population cohorts (gnomAD); In silico analysis supports that this missense variant has a deleterious effect on protein structure/function; Has not been previously published as pathogenic or benign to our knowledge

NM_007118.4(TRIO):c.4265T>G (p.Leu1422Arg)

Gene: TRIO (trio Rho guanine nucleotide exchange factor; plus strand). Cytogenetic location: 5p15.2.
Variant type: single nucleotide variant.
Coding change: c.4265T>G on transcript NM_007118.4 (MANE Select); coding-DNA position 4265, T replaced by G.
Protein change: p.Leu1422Arg; replaces leucine 1422 with arginine.
Molecular consequence: missense variant. On other transcripts: non-coding transcript variant (1).
Genome position (GRCh38, 1-based): chr5:14,394,084, T>G. VCF-style: chr5-14394084-T-G. GRCh37 (hg19) VCF-style: chr5-14394193-T-G.
Other names: short protein forms L1422R.
Identifiers: ClinVar variation 2412822 (VCV002412822.2), dbSNP rs2532919918, ClinGen allele CA359232909.
Genomic context (GRCh38, chr5:14,394,084, plus strand): 5'-TGGTTTTAATACAGGAGATACAGCAGCGACATGGATTAGCCAATTCCATTTCTTCCTACC[T>G]TATTAAACCAGTTCAGCGAATAACGAAGTATCAGCTCCTTTTAAAAGTATGTATAATGCG-3'
Protein context (NP_009049.2, residues 1412-1432): HGLANSISSY[Leu1422Arg]IKPVQRITKY